The following is an entry in ClinVar:

NM_001374736.1(DST):c.22954C>T (p.Pro7652Ser)

Gene: DST (dystonin; minus strand). Cytogenetic location: 6p12.1.
Variant type: single nucleotide variant.
Coding change: c.22954C>T on transcript NM_001374736.1 (MANE Select); coding-DNA position 22954, C replaced by T.
Protein change: p.Pro7652Ser; replaces proline 7652 with serine.
Molecular consequence: missense variant.
Genome position (GRCh38, 1-based): chr6:56,463,570, G>A on the plus strand (C>T on the coding strand, the complement: DST is on the minus strand). VCF-style: chr6-56463570-G-A. GRCh37 (hg19) VCF-style: chr6-56328368-G-A.
Other names: c.16525C>T, p.Pro5509Ser (NM_001144769.5); c.16111C>T, p.Pro5371Ser (NM_001144770.2); c.22882C>T, p.Pro7628Ser (NM_001374722.1); c.21994C>T, p.Pro7332Ser (NM_001374729.1); c.15736C>T, p.Pro5246Ser (NM_001374730.1); c.22909C>T, p.Pro7637Ser (NM_001374734.1); c.15973C>T, p.Pro5325Ser (NM_001386100.1); c.15013C>T, p.Pro5005Ser (NM_015548.5); and 1 more; short protein forms P7332S, P7652S, P5246S, P5331S, P5509S, P7628S, P5005S, P5325S.
Identifiers: ClinVar variation 1777273 (VCV001777273.2), dbSNP rs557488147, ClinGen allele CA364504723.

ClinVar aggregate classification (germline): Uncertain significance (1 of 4 stars; one submission).

Conditions:
Inborn genetic diseases. Identifiers: MedGen C0950123, MeSH D030342.

Submission:

Ambry Genetics
Classification: Uncertain significance for Inborn genetic diseases. Last evaluated: 2020-11-30. Review status: criteria provided, single submitter. Criteria: Ambry Variant Classification Scheme 2023. Collection method: clinical testing. Allele origin: germline.
Comment: The p.P5509S variant (also known as c.16525C>T), located in coding exon 94 of the DST gene, results from a C to T substitution at nucleotide position 16525. The proline at codon 5509 is replaced by serine, an amino acid with similar properties. This amino acid position is well conserved in available vertebrate species. In addition, this alteration is predicted to be tolerated by in silico analysis. Since supporting evidence is limited at this time, the clinical significance of this alteration remains unclear.